The following continues an entry in ClinVar:

NM_000443.4(ABCB4):c.1769G>A (p.Arg590Gln)

Gene: ABCB4. ClinVar aggregate classification (germline): Conflicting classifications of pathogenicity. Uncertain significance (12); Benign (1); Likely benign (3).

Submissions 15 to 18 of 18:

Illumina Laboratory Services, Illumina
Classification: Benign for Cholestasis, intrahepatic, of pregnancy, 3. Last evaluated: 2017-04-27. Review status: criteria provided, single submitter. Criteria: ICSL Variant Classification Criteria 13 December 2019. Collection method: clinical testing. Allele origin: germline.
Comment: This variant was observed as part of a predisposition screen in an ostensibly healthy population. A literature search was performed for the gene, cDNA change, and amino acid change (where applicable). Publications were found based on this search. The evidence from the literature, in combination with allele frequency data from public databases where available, was sufficient to rule this variant out of causing disease. Therefore, this variant is classified as benign.

PreventionGenetics, part of Exact Sciences
Classification: Likely benign. Review status: criteria provided, single submitter. Criteria: ACMG Guidelines, 2015. Collection method: clinical testing. Allele origin: germline.

OMIM
Classification: Pathogenic for CHOLESTASIS, INTRAHEPATIC, OF PREGNANCY, 3. Last evaluated: 2009-10-01. Review status: no assertion criteria provided. Collection method: literature only. Allele origin: germline. Not counted in ClinVar's aggregate classification.

OMIM
Classification: Pathogenic for GALLBLADDER DISEASE 1. Last evaluated: 2009-10-01. Review status: no assertion criteria provided. Collection method: literature only. Allele origin: germline. Not counted in ClinVar's aggregate classification.

Literature cited by the submitters: PubMed 35626323 (cited by Genomenon, Inc and Mayo Clinic Laboratories, Mayo Clinic); PubMed 35288833 (cited by Genomenon, Inc); PubMed 32893960 (cited by Genomenon, Inc and Mayo Clinic Laboratories, Mayo Clinic); PubMed 31538484 (cited by 4 submitters); PubMed 29761167 (cited by Genomenon, Inc and Mayo Clinic Laboratories, Mayo Clinic); PubMed 28924228 (cited by Genomenon, Inc and Mayo Clinic Laboratories, Mayo Clinic); PubMed 28733223 (cited by 4 submitters); PubMed 18083082 (cited by Genomenon, Inc and Mayo Clinic Laboratories, Mayo Clinic); PubMed 19584064 (cited by 4 submitters); PubMed 23533021 (cited by 3 submitters); PubMed 23684896 (cited by Genomenon, Inc); PubMed 21119540 (cited by 4 submitters); PubMed 35894240 (cited by Center for Genomic Medicine, Rigshospitalet, Copenhagen University Hospital and Mayo Clinic Laboratories, Mayo Clinic); PubMed 18482588 (cited by 6 submitters); PubMed 17726488 (cited by 3 submitters); PubMed 19018976 (cited by Mayo Clinic Laboratories, Mayo Clinic); PubMed 19261551 (cited by Mayo Clinic Laboratories, Mayo Clinic); PubMed 20042859 (cited by Mayo Clinic Laboratories, Mayo Clinic); PubMed 22675952 (cited by Mayo Clinic Laboratories, Mayo Clinic); PubMed 25807286 (cited by Mayo Clinic Laboratories, Mayo Clinic and Eurofins Ntd Llc (ga)); PubMed 28776642 (cited by Mayo Clinic Laboratories, Mayo Clinic); PubMed 34942279 (cited by Mayo Clinic Laboratories, Mayo Clinic); PubMed 35741809 (cited by Mayo Clinic Laboratories, Mayo Clinic); PubMed 36277956 (cited by Mayo Clinic Laboratories, Mayo Clinic).